The following is an entry in ClinVar:

NM_012479.4(YWHAG):c.121del (p.Glu41fs)

Gene: YWHAG (tyrosine 3-monooxygenase/tryptophan 5-monooxygenase activation protein gamma; minus strand). Cytogenetic location: 7q11.23.
Variant type: Deletion.
Coding change: c.121del on transcript NM_012479.4 (MANE Select); coding-DNA position 121, one base deleted (G; older notation c.121delG).
Protein change: p.Glu41fs; shifts the reading frame from glutamic acid 41.
Molecular consequence: frameshift variant.
Genome position (GRCh38, 1-based): chr7:76,330,200, C deleted on the plus strand (G on the coding strand, the reverse complement: YWHAG is on the minus strand); the first of 2 consecutive C bases (chr7:76,330,200-76,330,201); deleting either gives the same sequence. VCF-style (leftmost placement, unchanged base first): chr7-76330199-TC-T. GRCh37 (hg19) VCF-style: chr7-75959516-TC-T.
Other names: short protein forms E41fs.
Identifiers: ClinVar variation 2867278 (VCV002867278.3), dbSNP rs2536181301, ClinGen allele CA2739266493.

ClinVar aggregate classification (germline): Pathogenic (1 of 4 stars; one submission).

Submission:

Labcorp Genetics (formerly Invitae), Labcorp
Classification: Pathogenic. Last evaluated: 2023-05-23. Review status: criteria provided, single submitter. Criteria: Invitae Variant Classification Sherloc (09022015). Collection method: clinical testing. Allele origin: germline.
Comment: For these reasons, this variant has been classified as Pathogenic. This variant disrupts a region of the YWHAG protein in which other variant(s) (p.Glu207Lys) have been determined to be pathogenic (PMID: 33393734). This suggests that this is a clinically significant region of the protein, and that variants that disrupt it are likely to be disease-causing. This variant has not been reported in the literature in individuals affected with YWHAG-related conditions. This variant is not present in population databases (gnomAD no frequency). This sequence change creates a premature translational stop signal (p.Glu41Asnfs*49) in the YWHAG gene. While this is not anticipated to result in nonsense mediated decay, it is expected to disrupt the last 207 amino acid(s) of the YWHAG protein.

Literature cited by the submitters: PubMed 33393734.